The following is an entry in ClinVar:

ClinVar aggregate classification (germline): Uncertain significance (1 of 4 stars; one submission).

gnomAD v4.1: 9 of 1,613,360 alleles (0.00056%); highest among the groups gnomAD compares: African/African-American, 0.011%; no homozygotes.

Submission:

Labcorp Genetics (formerly Invitae), Labcorp
Classification: Uncertain significance. Last evaluated: 2025-08-04. Review status: criteria provided, single submitter. Criteria: Invitae Variant Classification Sherloc (09022015). Collection method: clinical testing. Allele origin: germline.
Comment: This sequence change falls in intron 17 of the ANK1 gene. It does not directly change the encoded amino acid sequence of the ANK1 protein. It affects a nucleotide within the consensus splice site. This variant is present in population databases (rs761008846, gnomAD 0.02%). This variant has not been reported in the literature in individuals affected with ANK1-related conditions. Variants that disrupt the consensus splice site are a relatively common cause of aberrant splicing (PMID: 17576681, 9536098). Algorithms developed to predict the effect of sequence changes on RNA splicing suggest that this variant is not likely to affect RNA splicing. In summary, the available evidence is currently insufficient to determine the role of this variant in disease. Therefore, it has been classified as a Variant of Uncertain Significance.

Literature cited by the submitters: PubMed 17576681; PubMed 9536098.

NM_000037.4(ANK1):c.1999-3C>T

Gene: ANK1 (ankyrin 1; minus strand). Cytogenetic location: 8p11.21.
Variant type: single nucleotide variant.
Coding change: c.1999-3C>T on transcript NM_000037.4 (MANE Select); 3 bases into the intron before coding-DNA position 1999, C replaced by T.
Molecular consequence: intron variant.
Genome position (GRCh38, 1-based): chr8:41,706,244, G>A on the plus strand (C>T on the coding strand, the complement: ANK1 is on the minus strand). VCF-style: chr8-41706244-G-A. GRCh37 (hg19) VCF-style: chr8-41563762-G-A.
Other names: c.2098-3C>T (NM_001142446.2); c.1999-3C>T (NM_020477.3, NM_020475.3, NM_020476.3).
Identifiers: ClinVar variation 4780693 (VCV004780693.1).